The following is an entry in ClinVar:

NM_183065.4(TMEM107):c.*603C>T

Gene: TMEM107 (transmembrane protein 107; minus strand). Cytogenetic location: 17p13.1.
Variant type: single nucleotide variant.
Coding change: c.*603C>T on transcript NM_183065.4 (MANE Select); 603 bases downstream of the stop codon, C replaced by T.
Molecular consequence: 3 prime UTR variant. On other transcripts: non-coding transcript variant (1).
Genome position (GRCh38, 1-based): chr17:8,173,600, G>A on the plus strand (C>T on the coding strand, the complement: TMEM107 is on the minus strand). VCF-style: chr17-8173600-G-A. GRCh37 (hg19) VCF-style: chr17-8076918-G-A.
Other names: c.*603C>T (NM_001351278.2, NM_001351279.2, NM_001351280.2 and 1 more transcripts).
Identifiers: ClinVar variation 2647452 (VCV002647452.25), dbSNP rs201296288, ClinGen allele CA8370884.

ClinVar aggregate classification (germline): Likely benign. Review status: criteria provided, multiple submitters, no conflicts (2 of 4 stars). 2 submissions from 2 submitters: Likely benign (2). Last evaluated 2026-09-01.

Allele frequency attached by ClinVar (database versions not stated): 1000 Genomes Project 0.00080; 1000 Genomes Project 30x 0.00109; ESP Exome Variant Server 0.00296.
gnomAD v4.1: 2,948 of 760,034 alleles (0.39%); highest among the groups gnomAD compares: Non-Finnish European, 0.56%; 11 homozygotes.

Submissions (2):

CeGaT Center for Human Genetics Tuebingen
Classification: Likely benign. Last evaluated: 2026-09-01. Review status: criteria provided, single submitter. Criteria: CeGaT Center For Human Genetics Tuebingen Variant Classification Criteria Version 2. Collection method: clinical testing. Allele origin: germline. Affected: yes. Observed: 15 variant alleles.
Comment: TMEM107: BS2

Blueprint Genetics
Classification: Likely benign. Last evaluated: 2024-11-25. Review status: criteria provided, single submitter. Criteria: ACMG Guidelines, 2015. Collection method: clinical testing. Allele origin: germline.